The following is an entry in ClinVar:

NM_001197104.2(KMT2A):c.7096G>A (p.Glu2366Lys)

Gene: KMT2A (lysine methyltransferase 2A; plus strand). Cytogenetic location: 11q23.3.
Variant type: single nucleotide variant.
Coding change: c.7096G>A on transcript NM_001197104.2 (MANE Select); coding-DNA position 7096, G replaced by A.
Protein change: p.Glu2366Lys; replaces glutamic acid 2366 with lysine.
Molecular consequence: missense variant.
Genome position (GRCh38, 1-based): chr11:118,502,988, G>A. VCF-style: chr11-118502988-G-A. GRCh37 (hg19) VCF-style: chr11-118373703-G-A.
Other names: c.7186G>A, p.Glu2396Lys (NM_001412597.1); c.7087G>A, p.Glu2363Lys (NM_005933.4); short protein forms E2363K, E2366K, E2396K.
Identifiers: ClinVar variation 3289118 (VCV003289118.2).
Genomic context (GRCh38, chr11:118,502,988, plus strand): 5'-CTGAATGTTAGTAAAATCGGCTCCTTTGCTGAACCCTCTTCAGTGTCGTTTTCTTCTAAA[G>A]AGGCCCTCTCCTTCCCACACCTCCATTTGAGAGGGCAAAGGAATGATCGAGACCAACACA-3'
Protein context (NP_001184033.1, residues 2356-2376): EPSSVSFSSK[Glu2366Lys]ALSFPHLHLR

ClinVar aggregate classification (germline): Uncertain significance. Review status: criteria provided, multiple submitters, no conflicts (2 of 4 stars). 2 submissions from 2 submitters: Uncertain significance (2). Last evaluated 2025-09-23.

Conditions:
Inborn genetic diseases. Identifiers: MedGen C0950123, MeSH D030342.

gnomAD v4.1: 1 of 1,613,820 alleles (0.000062%); highest among the groups gnomAD compares: Admixed American, 0.0017%; no homozygotes.

Submissions (2):

Labcorp Genetics (formerly Invitae), Labcorp
Classification: Uncertain significance. Last evaluated: 2025-09-23. Review status: criteria provided, single submitter. Criteria: Invitae Variant Classification Sherloc (09022015). Collection method: clinical testing. Allele origin: germline.
Comment: This sequence change replaces glutamic acid, which is acidic and polar, with lysine, which is basic and polar, at codon 2366 of the KMT2A protein (p.Glu2366Lys). This variant is not present in population databases (gnomAD no frequency). This variant has not been reported in the literature in individuals affected with KMT2A-related conditions. ClinVar contains an entry for this variant (Variation ID: 3289118). Invitae Evidence Modeling of protein sequence and biophysical properties (such as structural, functional, and spatial information, amino acid conservation, physicochemical variation, residue mobility, and thermodynamic stability) indicates that this missense variant is not expected to disrupt KMT2A protein function with a negative predictive value of 95%. In summary, the available evidence is currently insufficient to determine the role of this variant in disease. Therefore, it has been classified as a Variant of Uncertain Significance.

Ambry Genetics
Classification: Uncertain significance for Inborn genetic diseases. Last evaluated: 2024-04-23. Review status: criteria provided, single submitter. Criteria: Ambry Variant Classification Scheme 2023. Collection method: clinical testing. Allele origin: germline.